The following is an entry in ClinVar:

NM_001267550.2(TTN):c.61012G>T (p.Gly20338Ter)

Genes: TTN (titin; minus strand), TTN-AS1 (TTN antisense RNA 1; plus strand). Cytogenetic location: 2q31.2.
Variant type: single nucleotide variant.
Coding change: c.61012G>T on transcript NM_001267550.2 (MANE Select); coding-DNA position 61012, G replaced by T.
Protein change: p.Gly20338Ter; replaces glycine 20338 with a stop codon.
Molecular consequence: nonsense.
Genome position (GRCh38, 1-based): chr2:178,590,713, C>A on the plus strand (G>T on the coding strand, the complement: TTN is on the minus strand). VCF-style: chr2-178590713-C-A. GRCh37 (hg19) VCF-style: chr2-179455440-C-A.
Other names: c.56089G>T, p.Gly18697Ter (NM_001256850.1); c.33817G>T, p.Gly11273Ter (NM_003319.4); c.53308G>T, p.Gly17770Ter (NM_133378.4); c.34192G>T, p.Gly11398Ter (NM_133432.3); c.34393G>T, p.Gly11465Ter (NM_133437.4); short protein forms G17770*, G11398*, G11273*, G11465*, G18697*, G20338*.
Identifiers: ClinVar variation 2017742 (VCV002017742.4), dbSNP rs2050024015, ClinGen allele CA349477370.
Genomic context (GRCh38, chr2:178,590,713, plus strand): 5'-GGGATGGTTTGCTTAGTCCTGCAAGATTTTCAGCAAAAACTCTAAACTCATATGTATTTC[C>A]TTCATAGAGTCCAGTCACTCTGAACTTCAGGTCAGCGATAGGTGTTTTGTTGACCCTCAC-3'

ClinVar aggregate classification (germline): Likely pathogenic (1 of 4 stars; one submission).

Conditions:
Autosomal recessive limb-girdle muscular dystrophy type 2J (LGMDR10). Also called: Limb-girdle muscular dystrophy, type 2J; MUSCULAR DYSTROPHY, LIMB-GIRDLE, AUTOSOMAL RECESSIVE 10. Identifiers: Orphanet 140922, MedGen C1837342, MONDO:0012127, OMIM 608807.
Dilated cardiomyopathy 1G (CMD1G). Identifiers: Orphanet 154, MedGen C1858763, MONDO:0011400, OMIM 604145.

Submission:

Labcorp Genetics (formerly Invitae), Labcorp
Classification: Likely pathogenic for Dilated cardiomyopathy 1G; Autosomal recessive limb-girdle muscular dystrophy type 2J. Last evaluated: 2023-05-07. Review status: criteria provided, single submitter. Criteria: Invitae Variant Classification Sherloc (09022015). Collection method: clinical testing. Allele origin: germline.
Comment: This variant is not present in population databases (gnomAD no frequency). This sequence change creates a premature translational stop signal (p.Gly20338*) in the TTN gene. While this is not anticipated to result in nonsense mediated decay, it is expected to create a truncated TTN protein. This variant has not been reported in the literature in individuals affected with TTN-related conditions. In summary, the currently available evidence indicates that the variant is pathogenic, but additional data are needed to prove that conclusively. Therefore, this variant has been classified as Likely Pathogenic. This variant is located in the A band of TTN (PMID: 25589632). Truncating variants in this region are significantly overrepresented in patients affected with dilated cardiomyopathy (PMID: 25589632). Truncating variants in this region have also been reported in individuals affected with autosomal recessive centronuclear myopathy (PMID: 23975875). ClinVar contains an entry for this variant (Variation ID: 2017742).

Literature cited by the submitters: PubMed 25589632; PubMed 23975875.